The following is an entry in ClinVar:

NM_003590.5(CUL3):c.*3672T>C

Gene: CUL3 (cullin 3; minus strand). Cytogenetic location: 2q36.2.
Variant type: single nucleotide variant.
Coding change: c.*3672T>C on transcript NM_003590.5 (MANE Select); 3672 bases downstream of the stop codon, T replaced by C.
Molecular consequence: 3 prime UTR variant.
Genome position (GRCh38, 1-based): chr2:224,470,573, A>G on the plus strand (T>C on the coding strand, the complement: CUL3 is on the minus strand). VCF-style: chr2-224470573-A-G. GRCh37 (hg19) VCF-style: chr2-225335290-A-G.
Other names: c.*3672T>C (NM_001257197.2, NM_001257198.2).
Identifiers: ClinVar variation 334575 (VCV000334575.7), dbSNP rs2396092, ClinGen allele CA10612561.

ClinVar aggregate classification (germline): Benign. Review status: criteria provided, multiple submitters, no conflicts (2 of 4 stars). 2 submissions from 2 submitters: Benign (2). Last evaluated 2018-01-12.

Conditions:
Pseudohypoaldosteronism type 2E (PHA2E). Also called: Pseudohypoaldosteronism Type IIE. Identifiers: Orphanet 300530, Orphanet 757, MedGen C3469606, MONDO:0013782, OMIM 614496.

Allele frequency attached by ClinVar (database versions not stated): gnomAD exomes 0.16412; gnomAD 0.18136 and 0.18457; TOPMed 0.19033; 1000 Genomes Project 30x 0.23157; 1000 Genomes Project 0.23263.

Submissions (2):

Illumina Laboratory Services, Illumina
Classification: Benign for Pseudohypoaldosteronism type 2E. Last evaluated: 2018-01-12. Review status: criteria provided, single submitter. Criteria: ICSL Variant Classification Criteria 13 December 2019. Collection method: clinical testing. Allele origin: germline.
Comment: This variant was observed in the ICSL laboratory as part of a predisposition screen in an ostensibly healthy population. It had not been previously curated by ICSL or reported in the Human Gene Mutation Database (HGMD: prior to June 1st, 2018), and was therefore a candidate for classification through an automated scoring system. Utilizing variant allele frequency, disease prevalence and penetrance estimates, and inheritance mode, an automated score was calculated to assess if this variant is too frequent to cause the disease. Based on the score and internal cut-off values, a variant classified as benign is not then subjected to further curation. The score for this variant resulted in a classification of benign for this disease.

Breakthrough Genomics
Classification: Benign. Review status: criteria provided, single submitter. Criteria: ACMG Guidelines, 2015. Collection method: not provided. Allele origin: germline. Inheritance: Autosomal dominant inheritance. Affected: yes.